The following is an entry in ClinVar:

ClinVar aggregate classification (germline): Uncertain significance (1 of 4 stars; one submission).

Conditions:
Inborn genetic diseases. Identifiers: MedGen C0950123, MeSH D030342.

Submission:

Ambry Genetics
Classification: Uncertain significance for Inborn genetic diseases. Last evaluated: 2026-02-27. Review status: criteria provided, single submitter. Criteria: Ambry Variant Classification Scheme 2023. Collection method: clinical testing. Allele origin: germline.
Comment: The c.1617+3A>G intronic alteration consists of a A to G substitution nucleotides after coding exon 19 in the ADAM22 gene. This variant was not reported in population-based cohorts in the Genome Aggregation Database (gnomAD). Based on insufficient or conflicting evidence, the clinical significance of this alteration remains unclear.

NM_001324418.2(ADAM22):c.1617+3A>G

Gene: ADAM22 (ADAM metallopeptidase domain 22; plus strand). Cytogenetic location: 7q21.12.
Variant type: single nucleotide variant.
Coding change: c.1617+3A>G on transcript NM_001324418.2 (MANE Select); 3 bases into the intron after coding-DNA position 1617, A replaced by G.
Molecular consequence: intron variant.
Genome position (GRCh38, 1-based): chr7:88,151,034, A>G. VCF-style: chr7-88151034-A-G. GRCh37 (hg19) VCF-style: chr7-87780349-A-G.
Other names: c.1668+3A>G (NM_001391975.1, NM_001391980.1); c.1593+3A>G (NM_001391982.1); c.1617+3A>G (NM_001324420.2, NM_001391976.1, NM_021723.5 and 6 more transcripts); c.1614+3A>G (NM_001324419.2, NM_001391979.1, NM_001391978.1 and 2 more transcripts).
Identifiers: ClinVar variation 4840214 (VCV004840214.1).